The following is an entry in ClinVar:

NM_006363.6(SEC23B):c.1852C>T (p.Leu618Phe)

Gene: SEC23B (SEC23 homolog B, COPII component; plus strand). Cytogenetic location: 20p11.23.
Variant type: single nucleotide variant.
Coding change: c.1852C>T on transcript NM_006363.6 (MANE Select); coding-DNA position 1852, C replaced by T.
Protein change: p.Leu618Phe; replaces leucine 618 with phenylalanine.
Molecular consequence: missense variant.
Genome position (GRCh38, 1-based): chr20:18,548,717, C>T. VCF-style: chr20-18548717-C-T. GRCh37 (hg19) VCF-style: chr20-18529361-C-T.
Other names: c.1852C>T, p.Leu618Phe (NM_001172745.3, NM_032985.6, NM_032986.5); c.1798C>T, p.Leu600Phe (NM_001172746.3); short protein forms L600F, L618F.
Identifiers: ClinVar variation 4685867 (VCV004685867.1).

ClinVar aggregate classification (germline): Uncertain significance (1 of 4 stars; one submission).

gnomAD v4.1: 3 of 1,614,072 alleles (0.00019%); highest among the groups gnomAD compares: African/African-American, 0.004%; no homozygotes.

Submission:

ARUP Laboratories, Molecular Genetics and Genomics, ARUP Laboratories
Classification: Uncertain significance. Last evaluated: 2025-06-06. Review status: criteria provided, single submitter. Criteria: ARUP Molecular Germline Variant Investigation Process 2024. Collection method: clinical testing. Allele origin: germline.
Comment: The SEC23B c.1852C>T; p.Leu618Phe variant (rs1475013130), to our knowledge, is not reported in the medical literature or gene specific databases. This variant is also absent from the Genome Aggregation Database (v2.1.1), indicating it is not a common polymorphism. Computational analyses predict that this variant is deleterious (REVEL: 0.927). However, given the lack of clinical and functional data, the significance of this variant is uncertain at this time.